The following is an entry in ClinVar:

NM_024757.5(EHMT1):c.2973G>A (p.Met991Ile)

Gene: EHMT1 (euchromatic histone lysine methyltransferase 1; plus strand). Cytogenetic location: 9q34.3.
Variant type: single nucleotide variant.
Coding change: c.2973G>A on transcript NM_024757.5 (MANE Select); coding-DNA position 2973, G replaced by A.
Protein change: p.Met991Ile; replaces methionine 991 with isoleucine.
Molecular consequence: missense variant.
Genome position (GRCh38, 1-based): chr9:137,813,111, G>A. VCF-style: chr9-137813111-G-A. GRCh37 (hg19) VCF-style: chr9-140707563-G-A.
Other names: c.2952G>A, p.Met984Ile (NM_001354263.2); short protein forms M991I, M984I.
Identifiers: ClinVar variation 963096 (VCV000963096.34), dbSNP rs755184801, ClinGen allele CA5375118.
Genomic context (GRCh38, chr9:137,813,111, plus strand): 5'-AGGAGAGACGCCCCTGCAGTGTGCGAGCCTCAACTCTCAGGTGTGGAGCGCTCTGCAGAT[G>A]AGCAAGGCTCTGCAGGACTCGGCCCCCGACAGGCCCAGCCCCGTGGAGAGGATAGTGAGC-3'
Protein context (NP_079033.4, residues 981-1001): LNSQVWSALQ[Met991Ile]SKALQDSAPD

ClinVar aggregate classification (germline): Conflicting classifications of pathogenicity. Review status: criteria provided, conflicting classifications (1 of 4 stars). 4 submissions from 4 submitters: Uncertain significance (1); Likely benign (3). Last evaluated 2026-07-01.

Conditions:
Inborn genetic diseases. Identifiers: MedGen C0950123, MeSH D030342.
EHMT1-related disorder. Also called: EHMT1-related condition.
Kleefstra syndrome 1 (KLEFS1). Identifiers: Orphanet 261494, MedGen C0795833, MONDO:0027407, OMIM 610253.

Allele frequency attached by ClinVar (database versions not stated): ExAC 0.00001; gnomAD exomes 0.00001 and 0.00006; gnomAD 0.00002; TOPMed 0.00004.
gnomAD v4.1: 98 of 1,613,226 alleles (0.0061%); highest among the groups gnomAD compares: Non-Finnish European, 0.0078%; no homozygotes.

Submissions (4):

CeGaT Center for Human Genetics Tuebingen
Classification: Likely benign. Last evaluated: 2026-07-01. Review status: criteria provided, single submitter. Criteria: CeGaT Center For Human Genetics Tuebingen Variant Classification Criteria Version 2. Collection method: clinical testing. Allele origin: germline. Affected: yes. Observed: 4 variant alleles.
Comment: EHMT1: BP4

Labcorp Genetics (formerly Invitae), Labcorp
Classification: Likely benign for Kleefstra syndrome 1. Last evaluated: 2025-09-24. Review status: criteria provided, single submitter. Criteria: Invitae Variant Classification Sherloc (09022015). Collection method: clinical testing. Allele origin: germline.

Ambry Genetics
Classification: Uncertain significance for Inborn genetic diseases. Last evaluated: 2025-08-07. Review status: criteria provided, single submitter. Criteria: Ambry Variant Classification Scheme 2023. Collection method: clinical testing. Allele origin: germline.

PreventionGenetics, part of Exact Sciences
Classification: Likely benign for EHMT1-related condition. Last evaluated: 2025-05-08. Review status: criteria provided, single submitter. Criteria: ACMG Guidelines, 2015. Collection method: clinical testing. Allele origin: germline.
Comment: This variant is classified as likely benign based on ACMG/AMP sequence variant interpretation guidelines (Richards et al. 2015 PMID: 25741868, with internal and published modifications).